The following is an entry in ClinVar:

NM_007325.5(GRIA3):c.2447C>T (p.Thr816Ile)

Gene: GRIA3 (glutamate ionotropic receptor AMPA type subunit 3; plus strand). Cytogenetic location: Xq25.
Variant type: single nucleotide variant.
Coding change: c.2447C>T on transcript NM_007325.5 (MANE Select); coding-DNA position 2447, C replaced by T.
Protein change: p.Thr816Ile; replaces threonine 816 with isoleucine.
Molecular consequence: missense variant.
Genome position (GRCh38, 1-based): chrX:123,482,806, C>T. VCF-style: chrX-123482806-C-T. GRCh37 (hg19) VCF-style: chrX-122616657-C-T.
Other names: c.2447C>T, p.Thr816Ile (NM_000828.5); short protein forms T816I.
Identifiers: ClinVar variation 560997 (VCV000560997.2), dbSNP rs1569443329, ClinGen allele CA414255775.

ClinVar aggregate classification (germline): Uncertain significance (1 of 4 stars; one submission).

Conditions:
Syndromic X-linked intellectual disability 94 (MRXSW). Also called: MENTAL RETARDATION, X-LINKED, SYNDROMIC 29; X-linked intellectual disability due to GRIA3 anomalies. Identifiers: Orphanet 364028, MedGen C2678051, MONDO:0010402, OMIM 300699.

Submission:

Baylor Genetics
Classification: Uncertain significance for Syndromic X-linked intellectual disability 94. Last evaluated: 2017-09-01. Review status: criteria provided, single submitter. Criteria: ACMG Guidelines, 2015. Collection method: clinical testing. Allele origin: de novo. Inheritance: X-linked inheritance. Affected: yes.

Literature cited by the submitters: PubMed 25326635.